The following is an entry in ClinVar:

ClinVar aggregate classification (germline): Uncertain significance (1 of 4 stars; one submission).

Conditions:
Immunodeficiency 39 (IMD39). Identifiers: Orphanet 574918, MedGen C4225358, MONDO:0014597, OMIM 616345.

Allele frequency attached by ClinVar (database versions not stated): gnomAD exomes below 0.00001; TOPMed below 0.00001; gnomAD 0.00001.
gnomAD v4.1: 2 of 1,612,858 alleles (0.00012%); highest among the groups gnomAD compares: Non-Finnish European, 0.00017%; no homozygotes.

Submission:

Labcorp Genetics (formerly Invitae), Labcorp
Classification: Uncertain significance for Immunodeficiency 39. Last evaluated: 2021-08-15. Review status: criteria provided, single submitter. Criteria: Invitae Variant Classification Sherloc (09022015). Collection method: clinical testing. Allele origin: germline.
Comment: This sequence change replaces alanine with threonine at codon 432 of the IRF7 protein (p.Ala432Thr). The alanine residue is moderately conserved and there is a small physicochemical difference between alanine and threonine. This variant is not present in population databases (ExAC no frequency). This variant has not been reported in the literature in individuals affected with IRF7-related conditions. Algorithms developed to predict the effect of missense changes on protein structure and function output the following: SIFT: "Tolerated"; PolyPhen-2: "Benign"; Align-GVGD: "Class C0". The threonine amino acid residue is found in multiple mammalian species, which suggests that this missense change does not adversely affect protein function. In summary, the available evidence is currently insufficient to determine the role of this variant in disease. Therefore, it has been classified as a Variant of Uncertain Significance.

NM_001572.5(IRF7):c.1255G>A (p.Ala419Thr)

Gene: IRF7 (interferon regulatory factor 7; minus strand). Cytogenetic location: 11p15.5.
Variant type: single nucleotide variant.
Coding change: c.1255G>A on transcript NM_001572.5 (MANE Select); coding-DNA position 1255, G replaced by A.
Protein change: p.Ala419Thr; replaces alanine 419 with threonine.
Molecular consequence: missense variant.
Genome position (GRCh38, 1-based): chr11:613,100, C>T on the plus strand (G>A on the coding strand, the complement: IRF7 is on the minus strand). VCF-style: chr11-613100-C-T. GRCh37 (hg19) VCF-style: chr11-613100-C-T.
Other names: c.1168G>A, p.Ala390Thr (NM_004029.4); c.1294G>A, p.Ala432Thr (NM_004031.4); short protein forms A419T, A432T, A390T.
Identifiers: ClinVar variation 1362998 (VCV001362998.6), dbSNP rs1209884854, ClinGen allele CA378978287.